The following is an entry in ClinVar:

ClinVar aggregate classification (germline): Uncertain significance. Review status: criteria provided, multiple submitters, no conflicts (2 of 4 stars). 2 submissions from 2 submitters: Uncertain significance (2). Last evaluated 2026-04-02.

Conditions:
Tuberous sclerosis syndrome (TSC). Also called: Tuberous sclerosis; Tuberous Sclerosis Complex. Identifiers: Orphanet 805, MedGen C0041341, MONDO:0001734.

Submissions (2):

GeneDx
Classification: Uncertain significance. Last evaluated: 2026-04-02. Review status: criteria provided, single submitter. Criteria: GeneDx Variant Classification Process June 2021. Collection method: clinical testing. Allele origin: germline.
Comment: Not observed at significant frequency in large population cohorts (gnomAD); In silico analysis suggests that this missense variant does not alter protein structure/function; Has not been previously published as pathogenic or benign to our knowledge; This variant is associated with the following publications: (PMID: 18466115)

All of Us Research Program, National Institutes of Health
Classification: Uncertain significance for Tuberous sclerosis syndrome. Last evaluated: 2023-06-08. Review status: criteria provided, single submitter. Criteria: ACMG Guidelines, 2015. Collection method: clinical testing. Allele origin: germline. Inheritance: Autosomal dominant inheritance. Observed: 1 variant allele, 1 heterozygote.
Comment: This missense variant replaces asparagine with lysine at codon 55 of the TSC2 protein. Computational prediction suggests that this variant may not impact protein structure and function (internally defined REVEL score threshold <= 0.5, PMID: 27666373). To our knowledge, functional studies have not been reported for this variant. This variant has not been reported in individuals affected with TSC2-related disorders in the literature. This variant has not been identified in the general population by the Genome Aggregation Database (gnomAD). The available evidence is insufficient to determine the role of this variant in disease conclusively. Therefore, this variant is classified as a Variant of Uncertain Significance.

This study involves interpretation of variants in research participants for the purpose of population health screening. Participant phenotype was not available at the time of variant classification. Additional details can be found in publication PMID: 35346344, PMCID: PMC8962531

NM_000548.5(TSC2):c.165C>G (p.Asn55Lys)

Gene: TSC2 (TSC complex subunit 2; plus strand). Cytogenetic location: 16p13.3.
Variant type: single nucleotide variant.
Coding change: c.165C>G on transcript NM_000548.5 (MANE Select); coding-DNA position 165, C replaced by G.
Protein change: p.Asn55Lys; replaces asparagine 55 with lysine.
Molecular consequence: missense variant. On other transcripts: 5 prime UTR variant (20), non-coding transcript variant (5).
Genome position (GRCh38, 1-based): chr16:2,050,426, C>G. VCF-style: chr16-2050426-C-G. GRCh37 (hg19) VCF-style: chr16-2100427-C-G.
Other names: c.165C>G, p.Asn55Lys (NM_001077183.3, NM_001114382.3, NM_001318827.2 and 13 more transcripts); c.18C>G, p.Asn6Lys (NM_001318829.2, NM_001406675.1, NM_001406676.1 and 2 more transcripts); c.-62C>G (NM_001318831.2, NM_001406682.1, NM_001406684.1 and 3 more transcripts); c.198C>G, p.Asn66Lys (NM_001318832.2); c.-652C>G (NM_001406680.1, NM_001406683.1, NM_001406687.1); c.-281C>G (NM_001406681.1); c.-1267C>G (NM_001406689.1, NM_001406690.1, NM_001406691.1 and 2 more transcripts); c.-1573C>G (NM_001406693.1); and 3 more; short protein forms N55K, N66K, N6K.
Identifiers: ClinVar variation 3071583 (VCV003071583.2), dbSNP rs1596245687, ClinGen allele CA394303220.